The following is an entry in ClinVar:

NM_206937.2(LIG4):c.2585_2586del (p.His862fs)

Gene: LIG4 (DNA ligase 4; minus strand). Cytogenetic location: 13q33.3.
Variant type: Deletion.
Coding change: c.2585_2586del on transcript NM_206937.2 (MANE Select); coding-DNA positions 2585 to 2586, 2 bases deleted (AT; older notation c.2585_2586delAT).
Protein change: p.His862fs; shifts the reading frame from histidine 862.
Molecular consequence: frameshift variant.
Genome position (GRCh38, 1-based): chr13:108,208,683-108,208,684, AT deleted on the plus strand (AT on the coding strand, the reverse complement: LIG4 is on the minus strand). VCF-style (leftmost placement, unchanged base first): chr13-108208682-CAT-C. GRCh37 (hg19) VCF-style: chr13-108861030-CAT-C.
Other names: c.2585_2586del, p.His862fs (NM_001098268.2, NM_001352598.2, NM_001352599.2 and 6 more transcripts); c.2384_2385del, p.His795fs (NM_001330595.2); c.2621_2622del, p.His874fs (NM_001352604.2); short protein forms H795fs, H874fs, H862fs.
Identifiers: ClinVar variation 2753565 (VCV002753565.4), dbSNP rs1317409403, ClinGen allele CA612360478.

ClinVar aggregate classification (germline): Pathogenic/Likely pathogenic. Review status: criteria provided, multiple submitters, no conflicts (2 of 4 stars). 2 submissions from 2 submitters: Pathogenic (1); Likely pathogenic (1). Last evaluated 2025-12-01.

Conditions:
DNA ligase IV deficiency. Identifiers: Orphanet 99812, MedGen C1847827, MONDO:0011686, OMIM 606593.
Multiple myeloma (MM). Also called: Multiple myeloma, somatic; Plasma cell myeloma. Identifiers: Orphanet 29073, Orphanet 85443, MedGen C0026764, MeSH D009101, MONDO:0009693, OMIM 254500, HP:0006775.

Allele frequency attached by ClinVar (database versions not stated): gnomAD exomes below 0.00001; gnomAD 0.00001; TOPMed 0.00001.

Submissions (2):

Labcorp Genetics (formerly Invitae), Labcorp
Classification: Pathogenic for DNA ligase IV deficiency. Last evaluated: 2025-12-01. Review status: criteria provided, single submitter. Criteria: Invitae Variant Classification Sherloc (09022015). Collection method: clinical testing. Allele origin: germline.
Comment: This sequence change creates a premature translational stop signal (p.His862Argfs*8) in the LIG4 gene. While this is not anticipated to result in nonsense mediated decay, it is expected to disrupt the last 50 amino acid(s) of the LIG4 protein. This variant is present in population databases (no rsID available, gnomAD 0.008%). This premature translational stop signal has been observed in individual(s) with severe combined immunodeficiency (PMID: 34630384). ClinVar contains an entry for this variant (Variation ID: 2753565). This variant disrupts a region of the LIG4 protein in which other variant(s) (p.Gln904*) have been determined to be pathogenic (PMID: 34630384). This suggests that this is a clinically significant region of the protein, and that variants that disrupt it are likely to be disease-causing. For these reasons, this variant has been classified as Pathogenic.

Fulgent Genetics
Classification: Likely pathogenic for Multiple myeloma; DNA ligase IV deficiency. Last evaluated: 2024-04-09. Review status: criteria provided, single submitter. Criteria: ACMG Guidelines, 2015. Collection method: clinical testing. Allele origin: germline.

Literature cited by the submitters: PubMed 34630384 (cited by Labcorp Genetics (formerly Invitae), Labcorp).